The following is an entry in ClinVar:

NM_001148.6(ANK2):c.11015C>T (p.Thr3672Ile)

Gene: ANK2 (ankyrin 2; plus strand). Cytogenetic location: 4q26.
Variant type: single nucleotide variant.
Coding change: c.11015C>T on transcript NM_001148.6 (MANE Select); coding-DNA position 11015, C replaced by T.
Protein change: p.Thr3672Ile; replaces threonine 3672 with isoleucine.
Molecular consequence: missense variant.
Genome position (GRCh38, 1-based): chr4:113,365,165, C>T. VCF-style: chr4-113365165-C-T. GRCh37 (hg19) VCF-style: chr4-114286321-C-T.
Other names: c.4733C>T, p.Thr1578Ile (NM_001127493.3); c.4772C>T, p.Thr1591Ile (NM_001354225.2); c.4661C>T, p.Thr1554Ile (NM_001354228.2, NM_001354258.2); c.4739C>T, p.Thr1580Ile (NM_001354230.2); c.4802C>T, p.Thr1601Ile (NM_001354231.2, NM_001354242.2); c.4796C>T, p.Thr1599Ile (NM_001354232.2); c.4757C>T, p.Thr1586Ile (NM_001354235.2, NM_001354246.2, NM_001354265.2); c.4658C>T, p.Thr1553Ile (NM_001354236.2); and 35 more; short protein forms T1426I, T1500I, T1509I, T1521I, T1535I, T1542I, T1544I, T1570I.
Identifiers: ClinVar variation 2080316 (VCV002080316.7), dbSNP rs760126872, ClinGen allele CA3052179.

ClinVar aggregate classification (germline): Uncertain significance. Review status: criteria provided, multiple submitters, no conflicts (2 of 4 stars). 2 submissions from 2 submitters: Uncertain significance (2). Last evaluated 2025-10-06.

Conditions:
Cardiovascular phenotype. Identifiers: MedGen CN230736.
Long QT syndrome (LQTS). Identifiers: MedGen C0023976, MeSH D008133, MONDO:0002442. Disease mechanism: loss of function. Inheritance: Various modes of inheritance.

Allele frequency attached by ClinVar (database versions not stated): TOPMed below 0.00001; ExAC 0.00001; gnomAD 0.00001; gnomAD exomes 0.00001.
gnomAD v4.1: 14 of 1,612,824 alleles (0.00087%); highest among the groups gnomAD compares: East Asian, 0.0022%; no homozygotes.

Submissions (2):

Labcorp Genetics (formerly Invitae), Labcorp
Classification: Uncertain significance for Long QT syndrome. Last evaluated: 2025-10-06. Review status: criteria provided, single submitter. Criteria: Invitae Variant Classification Sherloc (09022015). Collection method: clinical testing. Allele origin: germline.
Comment: This sequence change replaces threonine, which is neutral and polar, with isoleucine, which is neutral and non-polar, at codon 3672 of the ANK2 protein (p.Thr3672Ile). This variant is present in population databases (rs760126872, gnomAD 0.004%). This variant has not been reported in the literature in individuals affected with ANK2-related conditions. ClinVar contains an entry for this variant (Variation ID: 2080316). Invitae Evidence Modeling of protein sequence and biophysical properties (such as structural, functional, and spatial information, amino acid conservation, physicochemical variation, residue mobility, and thermodynamic stability) indicates that this missense variant is not expected to disrupt ANK2 protein function with a negative predictive value of 80%. In summary, the available evidence is currently insufficient to determine the role of this variant in disease. Therefore, it has been classified as a Variant of Uncertain Significance.

Ambry Genetics
Classification: Uncertain significance for Cardiovascular phenotype. Last evaluated: 2025-08-06. Review status: criteria provided, single submitter. Criteria: Ambry Variant Classification Scheme 2023. Collection method: clinical testing. Allele origin: germline.